The following is an entry in ClinVar:

NC_000010.10:g.(?_101556834)_(101560340_?)del

Gene: ABCC2 (ATP binding cassette subfamily C member 2; plus strand). Cytogenetic location: 10q24.2.
Variant type: Deletion.
Identifiers: ClinVar variation 3244945 (VCV003244945.1).

ClinVar aggregate classification (germline): Pathogenic (1 of 4 stars; one submission).

Submission:

Labcorp Genetics (formerly Invitae), Labcorp
Classification: Pathogenic. Last evaluated: 2023-09-26. Review status: criteria provided, single submitter. Criteria: Invitae Variant Classification Sherloc (09022015). Collection method: clinical testing. Allele origin: unknown.
Comment: This variant is a gross deletion of the genomic region encompassing exon(s) 7-9 of the ABCC2 gene. This deletion is out-of-frame, and is expected to create a premature termination codon and result in an absent or disrupted protein product. Loss-of-function variants in ABCC2 are known to be pathogenic (PMID: 9185779, 16549534, 16952291). This variant has not been reported in the literature in individuals affected with ABCC2-related conditions. For these reasons, this variant has been classified as Pathogenic.

Literature cited by the submitters: PubMed 9185779; PubMed 16549534; PubMed 16952291.